The following is an entry in ClinVar:

NM_000535.7(PMS2):c.706-16T>C

Gene: PMS2 (PMS1 homolog 2, mismatch repair system component; minus strand). Cytogenetic location: 7p22.1.
Variant type: single nucleotide variant.
Coding change: c.706-16T>C on transcript NM_000535.7 (MANE Select); 16 bases into the intron before coding-DNA position 706, T replaced by C.
Molecular consequence: intron variant.
Genome position (GRCh38, 1-based): chr7:5,997,439, A>G on the plus strand (T>C on the coding strand, the complement: PMS2 is on the minus strand). VCF-style: chr7-5997439-A-G. GRCh37 (hg19) VCF-style: chr7-6037070-A-G.
Other names: c.388-16T>C (NM_001322008.2, NM_001406902.1, NM_001406883.1 and 4 more transcripts); c.397-16T>C (NM_001406881.1, NM_001406879.1, NM_001322015.2 and 6 more transcripts); c.301-16T>C (NM_001406895.1, NM_001322010.2, NM_001322004.2 and 19 more transcripts); c.132+5014T>C (NM_001406911.1); c.193-16T>C (NM_001406904.1, NM_001406905.1); c.133-16T>C (NM_001322013.2, NM_001406909.1); c.-228-16T>C (NM_001322012.2, NM_001322011.2); c.370-16T>C (NM_001406885.1); and 7 more.
Identifiers: ClinVar variation 3903633 (VCV003903633.1).

ClinVar aggregate classification (germline): Likely benign (1 of 4 stars; one submission).

Conditions:
Lynch syndrome 4 (LYNCH4). Also called: Colorectal cancer, hereditary nonpolyposis, type 4; Hereditary non-polyposis colorectal cancer, type 4. Identifiers: Orphanet 144, MedGen C1838333, MONDO:0013699, OMIM 614337. Disease mechanism: loss of function.

Submission:

Myriad Genetics, Inc.
Classification: Likely benign for Lynch syndrome 4. Last evaluated: 2025-01-28. Review status: criteria provided, single submitter. Criteria: Myriad Autosomal Dominant, Autosomal Recessive and X-Linked Classification Criteria (2023). Collection method: clinical testing. Allele origin: unknown.
Comment: This variant is considered likely benign. This variant is intronic and is not expected to impact mRNA splicing.